The following is an entry in ClinVar:

NM_000059.4(BRCA2):c.6884G>C (p.Arg2295Thr)

Gene: BRCA2 (BRCA2 DNA repair associated; plus strand). Cytogenetic location: 13q13.1.
Variant type: single nucleotide variant.
Coding change: c.6884G>C on transcript NM_000059.4 (MANE Select); coding-DNA position 6884, G replaced by C.
Protein change: p.Arg2295Thr; replaces arginine 2295 with threonine.
Molecular consequence: missense variant.
Genome position (GRCh38, 1-based): chr13:32,344,600, G>C. VCF-style: chr13-32344600-G-C. GRCh37 (hg19) VCF-style: chr13-32918737-G-C.
Other names: short protein forms R2295T.
Identifiers: ClinVar variation 462419 (VCV000462419.19), dbSNP rs1555285151, ClinGen allele CA387792776.

ClinVar aggregate classification (germline): Conflicting classifications of pathogenicity. Review status: criteria provided, conflicting classifications (1 of 4 stars). 6 submissions from 6 submitters: Uncertain significance (5); Likely benign (1). Last evaluated 2025-10-22.

Conditions:
Hereditary cancer-predisposing syndrome. Also called: Hereditary neoplastic syndrome; Neoplastic Syndromes, Hereditary; Tumor predisposition; Hereditary Cancer Syndrome. Identifiers: Orphanet 140162, MedGen C0027672, MeSH D009386, MONDO:0015356.
Hereditary breast ovarian cancer syndrome. Also called: Hereditary breast and/or ovarian cancer syndrome; BRCA1- and BRCA2-Associated Hereditary Breast and Ovarian Cancer; Hereditary breast and ovarian cancer; Breast and ovarian cancer; Hereditary breast and ovarian cancer syndrome; Hereditary breast and ovarian cancer syndrome (HBOC). Identifiers: Orphanet 145, MedGen C0677776, MeSH D061325, MONDO:0003582. Disease mechanism: loss of function.
Breast-ovarian cancer, familial, susceptibility to, 2 (BROVCA2). Also called: BRCA2 Hereditary Breast and Ovarian Cancer. Identifiers: Orphanet 145, MedGen C2675520, MONDO:0012933, OMIM 612555. Disease mechanism: loss of function.
Familial cancer of breast. Also called: BREAST CANCER, FAMILIAL; hereditary breast carcinoma; Hereditary breast cancer. Identifiers: Orphanet 227535, MedGen C0346153, MONDO:0016419, OMIM 114480. Disease mechanism: loss of function.

Allele frequency attached by ClinVar (database versions not stated): gnomAD exomes below 0.00001.

Submissions (6):

Labcorp Genetics (formerly Invitae), Labcorp
Classification: Uncertain significance for Hereditary breast ovarian cancer syndrome. Last evaluated: 2025-10-22. Review status: criteria provided, single submitter. Criteria: Invitae Variant Classification Sherloc (09022015). Collection method: clinical testing. Allele origin: germline.
Comment: This sequence change replaces arginine, which is basic and polar, with threonine, which is neutral and polar, at codon 2295 of the BRCA2 protein (p.Arg2295Thr). This variant is not present in population databases (gnomAD no frequency). This missense change has been observed in individual(s) with family history of breast cancer (PMID: 22366370). ClinVar contains an entry for this variant (Variation ID: 462419). Invitae Evidence Modeling of protein sequence and biophysical properties (such as structural, functional, and spatial information, amino acid conservation, physicochemical variation, residue mobility, and thermodynamic stability) indicates that this missense variant is not expected to disrupt BRCA2 protein function with a negative predictive value of 95%. In summary, the available evidence is currently insufficient to determine the role of this variant in disease. Therefore, it has been classified as a Variant of Uncertain Significance.

Ambry Genetics
Classification: Uncertain significance for Hereditary cancer-predisposing syndrome. Last evaluated: 2025-05-03. Review status: criteria provided, single submitter. Criteria: Ambry Variant Classification Scheme 2023. Collection method: clinical testing. Allele origin: germline.
Comment: The p.R2295T variant (also known as c.6884G>C), located in coding exon 11 of the BRCA2 gene, results from a G to C substitution at nucleotide position 6884. The arginine at codon 2295 is replaced by threonine, an amino acid with similar properties. This alteration was identified in an individual with a family history of breast cancer (Levanat S et al. Gene, 2012 May;498:169-76). This amino acid position is well conserved in available vertebrate species. In addition, the in silico prediction for this alteration is inconclusive. Since supporting evidence is limited at this time, the clinical significance of this alteration remains unclear.

Color Diagnostics, LLC DBA Color Health
Classification: Uncertain significance for Hereditary cancer-predisposing syndrome. Last evaluated: 2025-02-25. Review status: criteria provided, single submitter. Criteria: ACMG Guidelines, 2015. Collection method: clinical testing. Allele origin: germline.
Comment: This missense variant replaces arginine with threonine at codon 2295 of the BRCA2 protein. Computational prediction is inconclusive regarding the impact of this variant on protein structure and function. To our knowledge, functional studies have not been reported for this variant. This variant has been reported in an individual with a personal or family history of breast and/or ovarian cancer (PMID: 22366370). This variant has not been identified in the general population by the Genome Aggregation Database (gnomAD). The available evidence is insufficient to determine the role of this variant in disease conclusively. Therefore, this variant is classified as a Variant of Uncertain Significance.

Women's Health and Genetics/Laboratory Corporation of America, LabCorp
Classification: Uncertain significance. Last evaluated: 2024-12-10. Review status: criteria provided, single submitter. Criteria: LabCorp Variant Classification Summary - May 2015. Collection method: clinical testing. Allele origin: germline.
Comment: Variant summary: BRCA2 c.6884G>C (p.Arg2295Thr) results in a non-conservative amino acid change in the encoded protein sequence. Five of five in-silico tools predict a damaging effect of the variant on protein function. The variant was absent in 249846 control chromosomes. The available data on variant occurrences in the general population are insufficient to allow any conclusion about variant significance. c.6884G>C has been reported in the literature in a healthy individual with a family history of Breast cancer (Levanat_2012). These report(s) do not provide unequivocal conclusions about association of the variant with Hereditary Breast And Ovarian Cancer Syndrome. To our knowledge, no experimental evidence demonstrating an impact on protein function has been reported. The following publication have been ascertained in the context of this evaluation (PMID: 22366370). ClinVar contains an entry for this variant (Variation ID: 462419). Based on the evidence outlined above, the variant was classified as uncertain significance.

MGZ Medical Genetics Center
Classification: Likely benign for Familial cancer of breast. Last evaluated: 2024-02-09. Review status: criteria provided, single submitter. Criteria: CSpec BRCA1/2ACMG Rules Specifications V1.1.0. Collection method: clinical testing. Allele origin: germline. Affected: yes.
Comment: ACMG codes applied following ENIGMA VCEP rules: BP1_STR, PM2_SUP

All of Us Research Program, National Institutes of Health
Classification: Uncertain significance for Breast-ovarian cancer, familial, susceptibility to, 2. Last evaluated: 2023-08-28. Review status: criteria provided, single submitter. Criteria: ACMG Guidelines, 2015. Collection method: clinical testing. Allele origin: germline. Inheritance: Autosomal dominant inheritance. Observed: 1 variant allele, 1 heterozygote.
Comment: This missense variant replaces arginine with threonine at codon 2295 of the BRCA2 protein. Computational prediction is inconclusive regarding the impact of this variant on protein structure and function (internally defined REVEL score threshold 0.5 < inconclusive < 0.7, PMID: 27666373). To our knowledge, functional studies have not been reported for this variant. This variant has been reported in an individual with a personal or family history of breast and/or ovarian cancer (PMID: 22366370). This variant has not been identified in the general population by the Genome Aggregation Database (gnomAD). The available evidence is insufficient to determine the role of this variant in disease conclusively. Therefore, this variant is classified as a Variant of Uncertain Significance.

This study involves interpretation of variants in research participants for the purpose of population health screening. Participant phenotype was not available at the time of variant classification. Additional details can be found in publication PMID: 35346344, PMCID: PMC8962531

Literature cited by the submitters: PubMed 22366370 (cited by 5 submitters).